The following is an entry in ClinVar:

NM_004408.4(DNM1):c.179G>A (p.Gly60Glu)

Genes: DNM1 (dynamin 1; plus strand), LOC113839516 (Sharpr-MPRA regulatory region 8497; plus strand). Cytogenetic location: 9q34.11.
Variant type: single nucleotide variant.
Coding change: c.179G>A on transcript NM_004408.4 (MANE Select); coding-DNA position 179, G replaced by A.
Protein change: p.Gly60Glu; replaces glycine 60 with glutamic acid.
Molecular consequence: missense variant.
Genome position (GRCh38, 1-based): chr9:128,218,248, G>A. VCF-style: chr9-128218248-G-A. GRCh37 (hg19) VCF-style: chr9-130980527-G-A.
Other names: c.179G>A, p.Gly60Glu (NM_001005336.3, NM_001288737.2, NM_001288738.2 and 2 more transcripts); short protein forms G60E.
Identifiers: ClinVar variation 2630523 (VCV002630523.1), dbSNP rs2538974447, ClinGen allele CA375010132.

ClinVar aggregate classification (germline): Likely pathogenic (1 of 4 stars; one submission).

Conditions:
DNM1-related disorder. Also called: DNM1-related condition.

Submission:

PreventionGenetics, part of Exact Sciences
Classification: Likely pathogenic for DNM1-related condition. Last evaluated: 2023-02-23. Review status: criteria provided, single submitter. Criteria: ACMG Guidelines, 2015. Collection method: clinical testing. Allele origin: germline.
Comment: The DNM1 c.179G>A variant is predicted to result in the amino acid substitution p.Gly60Glu. To our knowledge, this variant has not been reported in the literature or in a large population database, indicating this variant is rare. This variant is interpreted as likely pathogenic.